The following is an entry in ClinVar:

ClinVar aggregate classification (germline): Likely pathogenic (1 of 4 stars; one submission).

Submission:

Labcorp Genetics (formerly Invitae), Labcorp
Classification: Likely pathogenic. Last evaluated: 2024-01-29. Review status: criteria provided, single submitter. Criteria: Invitae Variant Classification Sherloc (09022015). Collection method: clinical testing. Allele origin: germline.
Comment: This sequence change affects an acceptor splice site in intron 6 of the UCHL1 gene. It is expected to disrupt RNA splicing. Variants that disrupt the donor or acceptor splice site typically lead to a loss of protein function (PMID: 16199547), and loss-of-function variants in UCHL1 are known to be pathogenic (PMID: 35986737). This variant is not present in population databases (gnomAD no frequency). This variant has not been reported in the literature in individuals affected with UCHL1-related conditions. ClinVar contains an entry for this variant (Variation ID: 1445694). Algorithms developed to predict the effect of sequence changes on RNA splicing suggest that this variant may disrupt the consensus splice site. In summary, the currently available evidence indicates that the variant is pathogenic, but additional data are needed to prove that conclusively. Therefore, this variant has been classified as Likely Pathogenic.

Literature cited by the submitters: PubMed 16199547; PubMed 35986737.

NM_004181.5(UCHL1):c.460-2A>G

Gene: UCHL1 (ubiquitin C-terminal hydrolase L1; plus strand). Cytogenetic location: 4p13.
Variant type: single nucleotide variant.
Coding change: c.460-2A>G on transcript NM_004181.5 (MANE Select); the canonical splice acceptor site of the intron before coding-DNA position 460, A replaced by G.
Molecular consequence: splice acceptor variant.
Genome position (GRCh38, 1-based): chr4:41,263,223, A>G. VCF-style: chr4-41263223-A-G. GRCh37 (hg19) VCF-style: chr4-41265240-A-G.
Identifiers: ClinVar variation 1445694 (VCV001445694.6), dbSNP rs2154087252, ClinGen allele CA356733069.